The following is an entry in ClinVar:

ClinVar aggregate classification (germline): Uncertain significance (1 of 4 stars; one submission).

Conditions:
Neurofibromatosis, type 1 (NF1). Also called: NEUROFIBROMATOSIS, TYPE I, SOMATIC; VON RECKLINGHAUSEN DISEASE; Neurofibromatosis, type I; Peripheral type neurofibromatosis. Identifiers: Orphanet 636, MedGen C0027831, MONDO:0018975, OMIM 162200. Disease mechanism: loss of function.

Submission:

Labcorp Genetics (formerly Invitae), Labcorp
Classification: Uncertain significance for Neurofibromatosis, type 1. Last evaluated: 2022-11-01. Review status: criteria provided, single submitter. Criteria: Invitae Variant Classification Sherloc (09022015). Collection method: clinical testing. Allele origin: germline.
Comment: In summary, the available evidence is currently insufficient to determine the role of this variant in disease. Therefore, it has been classified as a Variant of Uncertain Significance. Algorithms developed to predict the effect of sequence changes on RNA splicing suggest that this variant may disrupt the consensus splice site. Algorithms developed to predict the effect of missense changes on protein structure and function are either unavailable or do not agree on the potential impact of this missense change (SIFT: "Tolerated"; PolyPhen-2: "Probably Damaging"; Align-GVGD: "Class C0"). ClinVar contains an entry for this variant (Variation ID: 643849). This variant has not been reported in the literature in individuals affected with NF1-related conditions. This variant is not present in population databases (gnomAD no frequency). This sequence change replaces lysine, which is basic and polar, with threonine, which is neutral and polar, at codon 354 of the NF1 protein (p.Lys354Thr).

NM_001042492.3(NF1):c.1061A>C (p.Lys354Thr)

Gene: NF1 (neurofibromin 1; plus strand). Cytogenetic location: 17q11.2.
Variant type: single nucleotide variant.
Coding change: c.1061A>C on transcript NM_001042492.3 (MANE Select); coding-DNA position 1061, A replaced by C.
Protein change: p.Lys354Thr; replaces lysine 354 with threonine.
Molecular consequence: missense variant.
Genome position (GRCh38, 1-based): chr17:31,200,594, A>C. VCF-style: chr17-31200594-A-C. GRCh37 (hg19) VCF-style: chr17-29527612-A-C.
Other names: c.1061A>C, p.Lys354Thr (NM_000267.4, NM_001128147.3); short protein forms K354T.
Identifiers: ClinVar variation 643849 (VCV000643849.5), dbSNP rs1135402801, ClinGen allele CA398996560.